The following is an entry in ClinVar:

NM_003672.4(CDC14A):c.1647C>T (p.Ser549=)

Gene: CDC14A (cell division cycle 14A; plus strand). Cytogenetic location: 1p21.2.
Variant type: single nucleotide variant.
Coding change: c.1647C>T on transcript NM_003672.4 (MANE Select); coding-DNA position 1647, C replaced by T.
Protein change: p.Ser549=; no amino-acid change (serine 549 retained).
Molecular consequence: synonymous variant.
Genome position (GRCh38, 1-based): chr1:100,499,154, C>T. VCF-style: chr1-100499154-C-T. GRCh37 (hg19) VCF-style: chr1-100964710-C-T.
Other names: c.1647C>T, p.Ser549= (NM_001319210.2, NM_033312.3); c.1473C>T, p.Ser491= (NM_001319211.2); c.768C>T, p.Ser256= (NM_001319212.2).
Identifiers: ClinVar variation 517535 (VCV000517535.14), dbSNP rs35385659, ClinGen allele CA970943.

ClinVar aggregate classification (germline): Benign. Review status: criteria provided, multiple submitters, no conflicts (2 of 4 stars). 4 submissions from 4 submitters: Benign (4). Last evaluated 2026-01-24.

Allele frequency attached by ClinVar (database versions not stated): gnomAD exomes 0.00106 and 0.00290; ExAC 0.00369; 1000 Genomes Project 0.01158; gnomAD 0.01161 and 0.01241; 1000 Genomes Project 30x 0.01187; TOPMed 0.01244; ESP Exome Variant Server 0.01346.
gnomAD v4.1: 3,402 of 1,614,092 alleles (0.21%); highest among the groups gnomAD compares: African/African-American, 4%; 78 homozygotes.

Submissions (4):

Labcorp Genetics (formerly Invitae), Labcorp
Classification: Benign. Last evaluated: 2026-01-24. Review status: criteria provided, single submitter. Criteria: Invitae Variant Classification Sherloc (09022015). Collection method: clinical testing. Allele origin: germline.

GeneDx
Classification: Benign. Last evaluated: 2017-12-22. Review status: criteria provided, single submitter. Criteria: GeneDx Variant Classification (06012015). Collection method: clinical testing. Allele origin: germline. Affected: yes.
Comment: This variant is considered likely benign or benign based on one or more of the following criteria: it is a conservative change, it occurs at a poorly conserved position in the protein, it is predicted to be benign by multiple in silico algorithms, and/or has population frequency not consistent with disease.

Laboratory for Molecular Medicine, Mass General Brigham Personalized Medicine
Classification: Benign. Last evaluated: 2017-08-23. Review status: criteria provided, single submitter. Criteria: LMM Criteria. Collection method: clinical testing. Allele origin: germline. Observed: 5 variant alleles.
Comment: p.Ser549Ser in exon 15 of CDC14A: This variant is not expected to have clinical significance because it does not alter an amino acid residue, is not located wit hin the splice consensus sequence, and has been identified in 4.10% (424/10342) of African chromosomes by the Exome Aggregation Consortium (ExAC; dbSNP rs35385659).

Breakthrough Genomics
Classification: Benign. Review status: criteria provided, single submitter. Criteria: ACMG Guidelines, 2015. Collection method: not provided. Allele origin: germline. Inheritance: Autosomal recessive inheritance. Affected: yes.